The following is an entry in ClinVar:

NM_001367721.1(CASK):c.356+4T>A

Gene: CASK (calcium/calmodulin dependent serine protein kinase; minus strand). Cytogenetic location: Xp11.4.
Variant type: single nucleotide variant.
Coding change: c.356+4T>A on transcript NM_001367721.1 (MANE Select); 4 bases into the intron after coding-DNA position 356, T replaced by A.
Molecular consequence: intron variant.
Genome position (GRCh38, 1-based): chrX:41,745,520, A>T on the plus strand (T>A on the coding strand, the complement: CASK is on the minus strand). VCF-style: chrX-41745520-A-T. GRCh37 (hg19) VCF-style: chrX-41604773-A-T.
Other names: c.356+4T>A (NM_001126055.3, NM_001410745.1, NM_001126054.3 and 1 more transcripts).
Identifiers: ClinVar variation 1469041 (VCV001469041.6), dbSNP rs2147736000, ClinGen allele CA2573158867.
Genomic context (GRCh38, chrX:41,745,520, plus strand): 5'-GTCTTTGTCATTTTCTTTTTTTATTTTCAACTTGACCTCTGGTGATTAGATATACAATAC[A>T]TACCTGGCTACAGCTTCACTGTACACAAAACCAGCGTCAGCTCGCTTTACGATTTCAAAA-3'

ClinVar aggregate classification (germline): Uncertain significance (1 of 4 stars; one submission).

Conditions:
Intellectual disability, CASK-related, X-linked. Identifiers: MedGen CN043158.

Submission:

Labcorp Genetics (formerly Invitae), Labcorp
Classification: Uncertain significance for Intellectual disability, CASK-related, X-linked. Last evaluated: 2023-10-05. Review status: criteria provided, single submitter. Criteria: Invitae Variant Classification Sherloc (09022015). Collection method: clinical testing. Allele origin: germline.
Comment: This sequence change falls in intron 4 of the CASK gene. It does not directly change the encoded amino acid sequence of the CASK protein. It affects a nucleotide within the consensus splice site. This variant is not present in population databases (gnomAD no frequency). This variant has not been reported in the literature in individuals affected with CASK-related conditions. ClinVar contains an entry for this variant (Variation ID: 1469041). Variants that disrupt the consensus splice site are a relatively common cause of aberrant splicing (PMID: 17576681, 9536098). Algorithms developed to predict the effect of sequence changes on RNA splicing suggest that this variant is not likely to affect RNA splicing. In summary, the available evidence is currently insufficient to determine the role of this variant in disease. Therefore, it has been classified as a Variant of Uncertain Significance.

Literature cited by the submitters: PubMed 17576681; PubMed 9536098.